The following is an entry in ClinVar:

ClinVar aggregate classification (germline): Pathogenic (1 of 4 stars; one submission).

Submission:

CeGaT Center for Human Genetics Tuebingen
Classification: Pathogenic. Last evaluated: 2022-08-01. Review status: criteria provided, single submitter. Criteria: CeGaT Center For Human Genetics Tuebingen Variant Classification Criteria Version 2. Collection method: clinical testing. Allele origin: germline. Affected: yes. Observed: 1 variant allele.
Comment: ARFGEF2: PVS1, PM2

NM_006420.3(ARFGEF2):c.1308_1309dup (p.Cys437fs)

Gene: ARFGEF2 (ARF guanine nucleotide exchange factor 2; plus strand). Cytogenetic location: 20q13.13.
Variant type: Microsatellite.
Coding change: c.1308_1309dup on transcript NM_006420.3 (MANE Select); coding-DNA positions 1308 to 1309, 2 bases duplicated (CT; older notation c.1308_1309dupCT).
Protein change: p.Cys437fs; shifts the reading frame from cysteine 437.
Molecular consequence: frameshift variant.
Genome position (GRCh38, 1-based): chr20:48,971,237-48,971,238, CT duplicated; duplicating any 2 consecutive bases within chr20:48,971,234-48,971,238 gives the same sequence; the c. name uses the placement nearest the transcript's 3' end. VCF-style (leftmost placement, unchanged base first): chr20-48971233-A-ATC. GRCh37 (hg19) VCF-style: chr20-47587770-A-ATC.
Other names: c.1305_1306dup, p.Cys436fs (NM_001410846.1); short protein forms C436fs, C437fs.
Identifiers: ClinVar variation 2652384 (VCV002652384.24), dbSNP rs2515513944, ClinGen allele CA2695201406.
Genomic context (GRCh38, chr20:48,971,233, plus strand): 5'-TGCAAAATGCTGGCCCCGTATTCAGGACTCACGAGATGTTCATCAATGCAATCAAGCAAT[A>ATC]TCTCTGTGTGGCCTTGTCCAAAAACGGCGTCTCTTCAGTGCCTGATGTCTTTGAGCTCTC-3'